The following is an entry in ClinVar:

NM_144772.3(NAXE):c.202G>C (p.Val68Leu)

Gene: NAXE (NAD(P)HX epimerase; plus strand). Cytogenetic location: 1q22.
Variant type: single nucleotide variant.
Coding change: c.202G>C on transcript NM_144772.3 (MANE Select); coding-DNA position 202, G replaced by C.
Protein change: p.Val68Leu; replaces valine 68 with leucine.
Molecular consequence: missense variant.
Genome position (GRCh38, 1-based): chr1:156,592,120, G>C. VCF-style: chr1-156592120-G-C. GRCh37 (hg19) VCF-style: chr1-156561912-G-C.
Other names: c.202G>C (NM_144772.2); short protein forms V68L.
Identifiers: ClinVar variation 1471463 (VCV001471463.6), dbSNP rs149164071, ClinGen allele CA1162686.

ClinVar aggregate classification (germline): Uncertain significance. Review status: criteria provided, multiple submitters, no conflicts (2 of 4 stars). 3 submissions from 3 submitters: Uncertain significance (2). 1 of the submissions does not count toward it. Last evaluated 2022-08-22.

Conditions:
NAXE-related disorder. Also called: NAXE-related condition.

Allele frequency attached by ClinVar (database versions not stated): gnomAD 0.00056; 1000 Genomes Project 0.00060; 1000 Genomes Project 30x 0.00062; ESP Exome Variant Server 0.00062; TOPMed 0.00071.
gnomAD v4.1: 221 of 1,614,248 alleles (0.014%); highest among the groups gnomAD compares: African/African-American, 0.16%; no homozygotes.

Submissions (3):

Labcorp Genetics (formerly Invitae), Labcorp
Classification: Uncertain significance. Last evaluated: 2022-08-22. Review status: criteria provided, single submitter. Criteria: Invitae Variant Classification Sherloc (09022015). Collection method: clinical testing. Allele origin: germline.
Comment: This sequence change replaces valine, which is neutral and non-polar, with leucine, which is neutral and non-polar, at codon 68 of the NAXE protein (p.Val68Leu). This variant is present in population databases (rs149164071, gnomAD 0.2%). This variant has not been reported in the literature in individuals affected with NAXE-related conditions. ClinVar contains an entry for this variant (Variation ID: 1471463). Algorithms developed to predict the effect of missense changes on protein structure and function (SIFT, PolyPhen-2, Align-GVGD) all suggest that this variant is likely to be tolerated. In summary, the available evidence is currently insufficient to determine the role of this variant in disease. Therefore, it has been classified as a Variant of Uncertain Significance.

Breakthrough Genomics
Classification: Uncertain significance. Review status: criteria provided, single submitter. Criteria: ACMG Guidelines, 2015. Collection method: not provided. Allele origin: germline. Inheritance: Autosomal recessive inheritance. Affected: yes.

PreventionGenetics, part of Exact Sciences
Classification: Likely benign for NAXE-related condition. Last evaluated: 2023-08-11. Review status: no assertion criteria provided. Collection method: clinical testing. Allele origin: germline. Not counted in ClinVar's aggregate classification.
Comment: This variant is classified as likely benign based on ACMG/AMP sequence variant interpretation guidelines (Richards et al. 2015 PMID: 25741868, with internal and published modifications).